The following is an entry in ClinVar:

NM_017780.4(CHD7):c.8804A>T (p.Glu2935Val)

Gene: CHD7 (chromodomain helicase DNA binding protein 7; plus strand). Cytogenetic location: 8q12.2.
Variant type: single nucleotide variant.
Coding change: c.8804A>T on transcript NM_017780.4 (MANE Select); coding-DNA position 8804, A replaced by T.
Protein change: p.Glu2935Val; replaces glutamic acid 2935 with valine.
Molecular consequence: missense variant.
Genome position (GRCh38, 1-based): chr8:60,865,743, A>T. VCF-style: chr8-60865743-A-T. GRCh37 (hg19) VCF-style: chr8-61778302-A-T.
Other names: c.2657A>T, p.Glu886Val (NM_001316690.1); short protein forms E2935V, E886V.
Identifiers: ClinVar variation 3702853 (VCV003702853.2).

ClinVar aggregate classification (germline): Uncertain significance (1 of 4 stars; one submission).

Conditions:
CHARGE syndrome (CHARGE). Also called: Hittner Hirsch Kreh syndrome; CHARGE ASSOCIATION--COLOBOMA, HEART ANOMALY, CHOANAL ATRESIA, RETARDATION, GENITAL AND EAR ANOMALIES; Coloboma, heart anomaly, choanal atresia, retardation, genital and ear anomalies; CHARGE association; Hall-Hittner syndrome. Identifiers: Orphanet 138, MedGen C0265354, MONDO:0008965.

Submission:

Labcorp Genetics (formerly Invitae), Labcorp
Classification: Uncertain significance for CHARGE syndrome. Last evaluated: 2024-12-25. Review status: criteria provided, single submitter. Criteria: Invitae Variant Classification Sherloc (09022015). Collection method: clinical testing. Allele origin: germline.
Comment: This sequence change replaces glutamic acid, which is acidic and polar, with valine, which is neutral and non-polar, at codon 2935 of the CHD7 protein (p.Glu2935Val). This variant is not present in population databases (gnomAD no frequency). This variant has not been reported in the literature in individuals affected with CHD7-related conditions. Invitae Evidence Modeling of protein sequence and biophysical properties (such as structural, functional, and spatial information, amino acid conservation, physicochemical variation, residue mobility, and thermodynamic stability) indicates that this missense variant is not expected to disrupt CHD7 protein function with a negative predictive value of 95%. In summary, the available evidence is currently insufficient to determine the role of this variant in disease. Therefore, it has been classified as a Variant of Uncertain Significance.